The following is an entry in ClinVar:

ClinVar aggregate classification (germline): Likely benign. Review status: criteria provided, multiple submitters, no conflicts (2 of 4 stars). 2 submissions from 2 submitters: Likely benign (2). Last evaluated 2026-01-14.

Conditions:
CARS2-related disorder. Also called: CARS2-related condition.
Combined oxidative phosphorylation defect type 27. Also called: Combined oxidative phosphorylation deficiency 27. Identifiers: Orphanet 477774, MedGen C5567608, MONDO:0014728, OMIM 616672.

Allele frequency attached by ClinVar (database versions not stated): TOPMed below 0.00001; gnomAD exomes 0.00001 and 0.00002; gnomAD 0.00003; ExAC 0.00004; 1000 Genomes Project 30x 0.00016; 1000 Genomes Project 0.00020.
gnomAD v4.1: 17 of 1,612,008 alleles (0.0011%); highest among the groups gnomAD compares: South Asian, 0.019%; no homozygotes.

Submissions (2):

PreventionGenetics, part of Exact Sciences
Classification: Likely benign for CARS2-related condition. Last evaluated: 2026-01-14. Review status: criteria provided, single submitter. Criteria: ACMG Guidelines, 2015. Collection method: clinical testing. Allele origin: germline.
Comment: This variant is classified as likely benign based on ACMG/AMP sequence variant interpretation guidelines (Richards et al. 2015 PMID: 25741868, with internal and published modifications).

Labcorp Genetics (formerly Invitae), Labcorp
Classification: Likely benign for Combined oxidative phosphorylation defect type 27. Last evaluated: 2024-05-06. Review status: criteria provided, single submitter. Criteria: Invitae Variant Classification Sherloc (09022015). Collection method: clinical testing. Allele origin: germline.

NM_024537.4(CARS2):c.1194-7C>T

Gene: CARS2 (cysteinyl-tRNA synthetase 2, mitochondrial; minus strand). Cytogenetic location: 13q34.
Variant type: single nucleotide variant.
Coding change: c.1194-7C>T on transcript NM_024537.4 (MANE Select); 7 bases into the intron before coding-DNA position 1194, C replaced by T.
Molecular consequence: intron variant.
Genome position (GRCh38, 1-based): chr13:110,646,097, G>A on the plus strand (C>T on the coding strand, the complement: CARS2 is on the minus strand). VCF-style: chr13-110646097-G-A. GRCh37 (hg19) VCF-style: chr13-111298444-G-A.
Other names: c.1194-7C>T (NM_024537.3); c.408-7C>T (NM_001352252.2).
Identifiers: ClinVar variation 1116205 (VCV001116205.10), dbSNP rs568526596, ClinGen allele CA7051866.